The following is an entry in ClinVar:

ClinVar aggregate classification (germline): Pathogenic. Review status: reviewed by expert panel (3 of 4 stars). 10 submissions from 10 submitters: Pathogenic (1). 9 of the submissions do not count toward it. Last evaluated 2016-09-08.

Conditions:
Breast carcinoma. Also called: Carcinoma of breast. Identifiers: MedGen C0678222, MONDO:0004989, HP:0003002.
Breast and/or ovarian cancer. Identifiers: MedGen CN221562.
Hereditary cancer-predisposing syndrome. Also called: Hereditary Cancer Syndrome; Hereditary neoplastic syndrome; Neoplastic Syndromes, Hereditary; Tumor predisposition. Identifiers: Orphanet 140162, MedGen C0027672, MeSH D009386, MONDO:0015356.
Hereditary breast ovarian cancer syndrome. Also called: BRCA1- and BRCA2-Associated Hereditary Breast and Ovarian Cancer; Hereditary breast and ovarian cancer syndrome; Hereditary breast and ovarian cancer syndrome (HBOC); Breast and ovarian cancer; Hereditary breast and/or ovarian cancer syndrome; Hereditary breast and ovarian cancer. Identifiers: Orphanet 145, MedGen C0677776, MeSH D061325, MONDO:0003582. Disease mechanism: loss of function.
Breast-ovarian cancer, familial, susceptibility to, 1 (BROVCA1). Also called: BRCA1 Hereditary Breast and Ovarian Cancer; OVARIAN CANCER, SUSCEPTIBILITY TO. Identifiers: Orphanet 145, MedGen C2676676, MONDO:0011450, OMIM 604370. Disease mechanism: loss of function.

Allele frequency attached by ClinVar (database versions not stated): gnomAD exomes below 0.00001; ExAC 0.00001.

Submissions (10):

Evidence-based Network for the Interpretation of Germline Mutant Alleles (ENIGMA)
Classification: Pathogenic for Breast-ovarian cancer, familial, susceptibility to, 1. Last evaluated: 2016-09-08. Review status: reviewed by expert panel. Criteria: ENIGMA BRCA1/2 Classification Criteria (2015). Collection method: curation. Allele origin: germline.
Comment: Variant allele predicted to encode a truncated non-functional protein.

Labcorp Genetics (formerly Invitae), Labcorp
Classification: Pathogenic for Hereditary breast ovarian cancer syndrome. Last evaluated: 2024-04-15. Review status: criteria provided, single submitter. Criteria: Invitae Variant Classification Sherloc (09022015). Collection method: clinical testing. Allele origin: germline. Not counted in ClinVar's aggregate classification.
Comment: This sequence change creates a premature translational stop signal (p.Leu1701Glnfs*14) in the BRCA1 gene. It is expected to result in an absent or disrupted protein product. Loss-of-function variants in BRCA1 are known to be pathogenic (PMID: 20104584). This variant is not present in population databases (gnomAD no frequency). This premature translational stop signal has been observed in individual(s) with a personal and/or family history of breast and/or ovarian cancer (PMID: 12204006, 16905680, 29446198). ClinVar contains an entry for this variant (Variation ID: 55401). For these reasons, this variant has been classified as Pathogenic.

Ambry Genetics
Classification: Pathogenic for Hereditary cancer-predisposing syndrome. Last evaluated: 2020-03-31. Review status: criteria provided, single submitter. Criteria: Ambry Variant Classification Scheme 2023. Collection method: clinical testing. Allele origin: germline. Not counted in ClinVar's aggregate classification.
Comment: The c.5102_5103delTG pathogenic mutation, located in coding exon 16 of the BRCA1 gene, results from a deletion of two nucleotides at nucleotide positions 5102 to 5103, causing a translational frameshift with a predicted alternate stop codon (p.L1701Qfs*14). This variant has been identified in hereditary breast and ovarian cancer families world wide (Kang HC et al. Hum. Mutat., 2002 Sep;20:235; Simard J et al. J. Med. Genet., 2007 Feb;44:107-21; Cavallone L et al. Fam. Cancer, 2010 Dec;9:507-17; Kim H et al. Breast Cancer Res. Treat., 2012 Aug;134:1315-26; Belanger MH et al. J Ovarian Res, 2015 Mar;8:1; Brice&ntilde;o-Balc&aacute;zar I et al. Colomb. Med., 2017 Jun;48:58-63; Rebbeck TR et al. Hum. Mutat., 2018 05;39:593-620; Ryu JM et al. Breast Cancer Res. Treat., 2019 Jan;173:385-395; Kwon BS et al. Cancer Res Treat, 2019 Jul;51:941-950). Of note, this alteration is also designated as 5221delTG in the published literature. This alteration is expected to result in loss of function by premature protein truncation or nonsense-mediated mRNA decay. As such, this alteration is interpreted as a disease-causing mutation.

Consortium of Investigators of Modifiers of BRCA1/2 (CIMBA), c/o University of Cambridge
Classification: Pathogenic for Breast-ovarian cancer, familial, susceptibility to, 1. Last evaluated: 2015-10-02. Review status: criteria provided, single submitter. Criteria: CIMBA Mutation Classification guidelines May 2016. Collection method: clinical testing. Allele origin: germline. Not counted in ClinVar's aggregate classification.

Medical Genetics Laboratory, Umraniye Training and Research Hospital, University of Health Sciences
Classification: Pathogenic for Breast carcinoma. Last evaluated: 2021-08-08. Review status: no assertion criteria provided. Collection method: clinical testing. Allele origin: germline. Inheritance: Autosomal dominant inheritance. Affected: yes. Observed: 1 variant allele, 1 heterozygote. Not counted in ClinVar's aggregate classification.

Research Molecular Genetics Laboratory, Women's College Hospital, University of Toronto
Classification: Pathogenic for Hereditary breast ovarian cancer syndrome. Last evaluated: 2014-01-31. Review status: no assertion criteria provided. Collection method: research. Allele origin: germline. Affected: yes. Study: The Canadian Open Genetics Repository (COGR). Not counted in ClinVar's aggregate classification.

Foulkes Cancer Genetics LDI, Lady Davis Institute for Medical Research
Classification: Pathogenic for Breast and/or ovarian cancer. Last evaluated: 2011-10-10. Review status: no assertion criteria provided. Collection method: clinical testing. Allele origin: germline. Study: The Canadian Open Genetics Repository (COGR). Not counted in ClinVar's aggregate classification.

Sharing Clinical Reports Project (SCRP)
Classification: Pathogenic for Breast-ovarian cancer, familial 1. Last evaluated: 2006-10-05. Review status: no assertion criteria provided. Collection method: clinical testing. Allele origin: germline. Not counted in ClinVar's aggregate classification.

Breast Cancer Information Core (BIC) (BRCA1)
Classification: Pathogenic for Breast-ovarian cancer, familial 1. Last evaluated: 2004-02-20. Review status: no assertion criteria provided. Collection method: clinical testing. Allele origin: germline. Affected: yes. Observed: 3 variant alleles. Not counted in ClinVar's aggregate classification.

Department of Pathology and Laboratory Medicine, Sinai Health System
Classification: Uncertain significance. Review status: no assertion criteria provided. Collection method: clinical testing. Allele origin: unknown. Affected: yes. Observed: 1 variant allele. Study: The Canadian Open Genetics Repository (COGR). Not counted in ClinVar's aggregate classification.

Literature cited by the submitters: PubMed 20104584 (cited by Labcorp Genetics (formerly Invitae), Labcorp); PubMed 12204006 (cited by Labcorp Genetics (formerly Invitae), Labcorp and Ambry Genetics); PubMed 16905680 (cited by Labcorp Genetics (formerly Invitae), Labcorp and Ambry Genetics); PubMed 29446198 (cited by Labcorp Genetics (formerly Invitae), Labcorp and Ambry Genetics); PubMed 20694749 (cited by Ambry Genetics); PubMed 22798144 (cited by Ambry Genetics); PubMed 25884701 (cited by Ambry Genetics); PubMed 29021639 (cited by Ambry Genetics); PubMed 30309222 (cited by Ambry Genetics); PubMed 30350268 (cited by Ambry Genetics).

NM_007294.4(BRCA1):c.5102_5103del (p.Leu1701fs)

Gene: BRCA1 (BRCA1 DNA repair associated; minus strand). Cytogenetic location: 17q21.31.
Variant type: Deletion.
Coding change: c.5102_5103del on transcript NM_007294.4 (MANE Select); coding-DNA positions 5102 to 5103, 2 bases deleted (TG; older notation c.5102_5103delTG).
Protein change: p.Leu1701fs; shifts the reading frame from leucine 1701.
Molecular consequence: frameshift variant. On other transcripts: non-coding transcript variant (1).
Genome position (GRCh38, 1-based): chr17:43,063,923-43,063,924, CA deleted on the plus strand (TG on the coding strand, the reverse complement: BRCA1 is on the minus strand). VCF-style (leftmost placement, unchanged base first): chr17-43063922-TCA-T. GRCh37 (hg19) VCF-style: chr17-41215939-TCA-T.
Other names: 5221delTG; c.5102_5103delTG (NM_007294.4); c.4889_4890delTG, p.Leu1630Glnfs (NM_001407571.1, NM_001407894.1, NM_001407895.1 and 12 more transcripts); c.5168_5169delTG, p.Leu1723Glnfs (NM_001407581.1, NM_001407582.1); c.5165_5166delTG, p.Leu1722Glnfs (NM_001407583.1, NM_001407585.1, NM_001407587.1); c.5162_5163delTG, p.Leu1721Glnfs (NM_001407590.1, NM_001407591.1); c.5102_5103delTG, p.Leu1701Glnfs (NM_001407593.1, NM_001407594.1, NM_001407596.1 and 7 more transcripts); c.5099_5100delTG, p.Leu1700Glnfs (NM_001407610.1, NM_001407611.1, NM_001407612.1 and 17 more transcripts); and 76 more; short protein forms L1654fs, L597fs, L1701fs, L1722fs.
Identifiers: ClinVar variation 55401 (VCV000055401.17), dbSNP rs80357608, ClinGen allele CA003242.